The following is an entry in ClinVar:

NM_198253.3(TERT):c.653C>T (p.Ala218Val)

Gene: TERT (telomerase reverse transcriptase; minus strand). Cytogenetic location: 5p15.33.
Variant type: single nucleotide variant.
Coding change: c.653C>T on transcript NM_198253.3 (MANE Select); coding-DNA position 653, C replaced by T.
Protein change: p.Ala218Val; replaces alanine 218 with valine.
Molecular consequence: missense variant. On other transcripts: non-coding transcript variant (2).
Genome position (GRCh38, 1-based): chr5:1,294,233, G>A on the plus strand (C>T on the coding strand, the complement: TERT is on the minus strand). VCF-style: chr5-1294233-G-A. GRCh37 (hg19) VCF-style: chr5-1294348-G-A.
Other names: c.653C>T, p.Ala218Val (NM_001193376.3, NM_003219.1); short protein forms A218V.
Identifiers: ClinVar variation 2929657 (VCV002929657.4), dbSNP rs1751222229, ClinGen allele CA359057095.
Genomic context (GRCh38, chr5:1,294,233, plus strand): 5'-GGCCTCTTGGGCAACGGCAGACTTCGGCTGGCACTGCCCCCGCGCCTCCTCGCACCCGGG[G>A]CTGGCAGGCCCAGGGGGACCCCGGCCTCCCTGACGCTATGGTTCCAGGCCCGTTCGCATC-3'
Protein context (NP_937983.2, residues 208-228): REAGVPLGLP[Ala218Val]PGARRRGGSA

ClinVar aggregate classification (germline): Uncertain significance. Review status: criteria provided, multiple submitters, no conflicts (2 of 4 stars). 2 submissions from 2 submitters: Uncertain significance (2). Last evaluated 2025-06-25.

Conditions:
Idiopathic Pulmonary Fibrosis. Also called: Idiopathic fibrosing alveolitis, chronic form; idiopathic fibrosing alveolitis. Identifiers: Orphanet 2032, MedGen C1800706, MeSH D054990, MONDO:0800504.
Dyskeratosis congenita, autosomal dominant 2. Identifiers: MedGen C3151443, MONDO:0013521, OMIM 613989.
Dyskeratosis congenita. Identifiers: Orphanet 1775, MedGen C0265965, MONDO:0015780.

Submissions (2):

Ambry Genetics
Classification: Uncertain significance for Dyskeratosis congenita. Last evaluated: 2025-06-25. Review status: criteria provided, single submitter. Criteria: Ambry Variant Classification Scheme 2023. Collection method: clinical testing. Allele origin: germline.
Comment: The p.A218V variant (also known as c.653C>T), located in coding exon 2 of the TERT gene, results from a C to T substitution at nucleotide position 653. The alanine at codon 218 is replaced by valine, an amino acid with similar properties. This amino acid position is conserved. In addition, this alteration is predicted to be tolerated by in silico analysis. Based on the available evidence, the clinical significance of this variant remains unclear.

Labcorp Genetics (formerly Invitae), Labcorp
Classification: Uncertain significance for Dyskeratosis congenita, autosomal dominant 2; Idiopathic Pulmonary Fibrosis. Last evaluated: 2023-06-24. Review status: criteria provided, single submitter. Criteria: Invitae Variant Classification Sherloc (09022015). Collection method: clinical testing. Allele origin: germline.
Comment: In summary, the available evidence is currently insufficient to determine the role of this variant in disease. Therefore, it has been classified as a Variant of Uncertain Significance. Advanced modeling of protein sequence and biophysical properties (such as structural, functional, and spatial information, amino acid conservation, physicochemical variation, residue mobility, and thermodynamic stability) performed at Invitae indicates that this missense variant is not expected to disrupt TERT protein function. This variant has not been reported in the literature in individuals affected with TERT-related conditions. This variant is not present in population databases (gnomAD no frequency). This sequence change replaces alanine, which is neutral and non-polar, with valine, which is neutral and non-polar, at codon 218 of the TERT protein (p.Ala218Val).